The following is an entry in ClinVar:

ClinVar aggregate classification (germline): Uncertain significance (1 of 4 stars; one submission).

Submission:

Labcorp Genetics (formerly Invitae), Labcorp
Classification: Uncertain significance. Last evaluated: 2024-05-08. Review status: criteria provided, single submitter. Criteria: Invitae Variant Classification Sherloc (09022015). Collection method: clinical testing. Allele origin: germline.
Comment: This sequence change replaces aspartic acid, which is acidic and polar, with tyrosine, which is neutral and polar, at codon 1237 of the SAMD9 protein (p.Asp1237Tyr). This variant is not present in population databases (gnomAD no frequency). This variant has not been reported in the literature in individuals affected with SAMD9-related conditions. Advanced modeling of protein sequence and biophysical properties (such as structural, functional, and spatial information, amino acid conservation, physicochemical variation, residue mobility, and thermodynamic stability) performed at Invitae indicates that this missense variant is not expected to disrupt SAMD9 protein function with a negative predictive value of 95%. In summary, the available evidence is currently insufficient to determine the role of this variant in disease. Therefore, it has been classified as a Variant of Uncertain Significance.

NM_017654.4(SAMD9):c.3709G>T (p.Asp1237Tyr)

Gene: SAMD9 (sterile alpha motif domain containing 9; minus strand). Cytogenetic location: 7q21.2.
Variant type: single nucleotide variant.
Coding change: c.3709G>T on transcript NM_017654.4 (MANE Select); coding-DNA position 3709, G replaced by T.
Protein change: p.Asp1237Tyr; replaces aspartic acid 1237 with tyrosine.
Molecular consequence: missense variant.
Genome position (GRCh38, 1-based): chr7:93,102,389, C>A on the plus strand (G>T on the coding strand, the complement: SAMD9 is on the minus strand). VCF-style: chr7-93102389-C-A. GRCh37 (hg19) VCF-style: chr7-92731702-C-A.
Other names: c.3709G>T, p.Asp1237Tyr (NM_001193307.2); short protein forms D1237Y.
Identifiers: ClinVar variation 3636734 (VCV003636734.2).